The following is an entry in ClinVar:

ClinVar aggregate classification (germline): Uncertain significance (1 of 4 stars; one submission).

Submission:

CeGaT Center for Human Genetics Tuebingen
Classification: Uncertain significance. Last evaluated: 2023-05-01. Review status: criteria provided, single submitter. Criteria: CeGaT Center For Human Genetics Tuebingen Variant Classification Criteria Version 2. Collection method: clinical testing. Allele origin: germline. Affected: yes. Observed: 1 variant allele.
Comment: EPCAM: PM2, PP3

NM_002354.3(EPCAM):c.658-3C>G

Gene: EPCAM (epithelial cell adhesion molecule; plus strand). Cytogenetic location: 2p21.
Variant type: single nucleotide variant.
Coding change: c.658-3C>G on transcript NM_002354.3 (MANE Select); 3 bases into the intron before coding-DNA position 658, C replaced by G.
Molecular consequence: intron variant.
Genome position (GRCh38, 1-based): chr2:47,379,766, C>G. VCF-style: chr2-47379766-C-G. GRCh37 (hg19) VCF-style: chr2-47606905-C-G.
Identifiers: ClinVar variation 2571076 (VCV002571076.27), dbSNP rs199875139, ClinGen allele CA2580612938.